The following is an entry in ClinVar:

ClinVar aggregate classification (germline): Pathogenic (1 of 4 stars; one submission).

Conditions:
Nemaline myopathy 2 (NEM2). Also called: Nemaline myopathy 2, autosomal recessive. Identifiers: MedGen C1850569, MONDO:0009725, OMIM 256030.

Submission:

Labcorp Genetics (formerly Invitae), Labcorp
Classification: Pathogenic for Nemaline myopathy 2. Last evaluated: 2022-10-25. Review status: criteria provided, single submitter. Criteria: Invitae Variant Classification Sherloc (09022015). Collection method: clinical testing. Allele origin: germline.
Comment: For these reasons, this variant has been classified as Pathogenic. This variant has not been reported in the literature in individuals affected with NEB-related conditions. This variant is not present in population databases (gnomAD no frequency). This sequence change creates a premature translational stop signal (p.Ala2225Glyfs*16) in the NEB gene. It is expected to result in an absent or disrupted protein product. Loss-of-function variants in NEB are known to be pathogenic (PMID: 25205138).

Literature cited by the submitters: PubMed 25205138.

NM_001164508.2(NEB):c.6673dup (p.Ala2225fs)

Gene: NEB (nebulin; minus strand). Cytogenetic location: 2q23.3.
Variant type: Duplication.
Coding change: c.6673dup on transcript NM_001164508.2 (MANE Select); coding-DNA position 6673, one base duplicated (G; older notation c.6673dupG).
Protein change: p.Ala2225fs; shifts the reading frame from alanine 2225.
Molecular consequence: frameshift variant.
Genome position (GRCh38, 1-based): chr2:151,655,846, C duplicated on the plus strand (G on the coding strand, the reverse complement: NEB is on the minus strand). VCF-style (leftmost placement, unchanged base first): chr2-151655845-G-GC. GRCh37 (hg19) VCF-style: chr2-152512359-G-GC.
Other names: c.6673dup, p.Ala2225fs (NM_001164507.2, NM_001271208.2, NM_004543.5); short protein forms A2225fs.
Identifiers: ClinVar variation 2036715 (VCV002036715.4), dbSNP rs2552252600, ClinGen allele CA2580063971.